The following is an entry in ClinVar:

NM_024757.5(EHMT1):c.314A>T (p.Lys105Met)

Gene: EHMT1 (euchromatic histone lysine methyltransferase 1; plus strand). Cytogenetic location: 9q34.3.
Variant type: single nucleotide variant.
Coding change: c.314A>T on transcript NM_024757.5 (MANE Select); coding-DNA position 314, A replaced by T.
Protein change: p.Lys105Met; replaces lysine 105 with methionine.
Molecular consequence: missense variant.
Genome position (GRCh38, 1-based): chr9:137,716,854, A>T. VCF-style: chr9-137716854-A-T. GRCh37 (hg19) VCF-style: chr9-140611306-A-T.
Other names: c.314A>T, p.Lys105Met (NM_001145527.2, NM_001354263.2, NM_001354611.2); c.221A>T, p.Lys74Met (NM_001354259.2, NM_001354612.2); short protein forms K105M, K74M.
Identifiers: ClinVar variation 4773250 (VCV004773250.1).

ClinVar aggregate classification (germline): Uncertain significance (1 of 4 stars; one submission).

Conditions:
Kleefstra syndrome 1 (KLEFS1). Identifiers: Orphanet 261494, MedGen C0795833, MONDO:0027407, OMIM 610253.

Submission:

Labcorp Genetics (formerly Invitae), Labcorp
Classification: Uncertain significance for Kleefstra syndrome 1. Last evaluated: 2025-07-21. Review status: criteria provided, single submitter. Criteria: Invitae Variant Classification Sherloc (09022015). Collection method: clinical testing. Allele origin: germline.
Comment: This sequence change replaces lysine, which is basic and polar, with methionine, which is neutral and non-polar, at codon 105 of the EHMT1 protein (p.Lys105Met). This variant is not present in population databases (gnomAD no frequency). This variant has not been reported in the literature in individuals affected with EHMT1-related conditions. This missense change has been observed in at least one individual who was not affected with EHMT1-related conditions (internal data). An algorithm developed to predict the effect of missense changes on protein structure and function (PolyPhen-2) suggests that this variant is likely to be disruptive. In summary, the available evidence is currently insufficient to determine the role of this variant in disease. Therefore, it has been classified as a Variant of Uncertain Significance.